The following is an entry in ClinVar:

ClinVar aggregate classification (germline): Likely benign. Review status: criteria provided, multiple submitters, no conflicts (2 of 4 stars). 2 submissions from 2 submitters: Likely benign (2). Last evaluated 2025-12-17.

Conditions:
Microcephalic primordial dwarfism due to ZNF335 deficiency. Also called: Primary autosomal recessive microcephaly 10. Identifiers: Orphanet 329228, MedGen C3554499, MONDO:0014043, OMIM 615095.

Allele frequency attached by ClinVar (database versions not stated): gnomAD exomes 0.00001 and 0.00003; TOPMed 0.00001; ExAC 0.00004.
gnomAD v4.1: 16 of 1,613,868 alleles (0.00099%); highest among the groups gnomAD compares: Non-Finnish European, 0.0014%; no homozygotes.

Submissions (2):

Labcorp Genetics (formerly Invitae), Labcorp
Classification: Likely benign. Last evaluated: 2025-12-17. Review status: criteria provided, single submitter. Criteria: Invitae Variant Classification Sherloc (09022015). Collection method: clinical testing. Allele origin: germline.

Victorian Clinical Genetics Services, Murdoch Childrens Research Institute
Classification: Likely benign for Microcephalic primordial dwarfism due to ZNF335 deficiency. Last evaluated: 2022-02-02. Review status: criteria provided, single submitter. Criteria: ACMG Guidelines, 2015. Collection method: clinical testing. Allele origin: germline. Inheritance: Autosomal recessive inheritance.
Comment: Based on the classification scheme VCGS_Germline_v1.3.4, this variant is classified as Likely Benign. Following criteria are met: 0102 - Loss of function is a known mechanism of disease in this gene and is associated with Primary microcephaly 10 (MIM#615095). (I) 0106 - This gene is associated with autosomal recessive disease. (I) 0205 - Variant is predicted to result in a truncated protein (premature termination codon is NOT located at least 54 nucleotides upstream of the final exon-exon junction) with less than 1/3 of the protein sequence affected. (SP) 0251 - This variant is heterozygous. (I) 0308 - Population frequency for this variant is out of keeping with known incidence of Primary microcephaly 10 (MIM#615095). (SB) 0600 - Variant is located in the annotated C-terminus (amino acids 1041-1342) involved in the binding of CCAR2 (PMID: 19131338). (I) 0705 - No comparable downstream truncating variants have previous evidence for pathogenicity. Only two other downstream missense variants have been identified in compound heterozygotes (PMID: 33216650). (I) 0807 - This variant has no previous evidence of pathogenicity. (I) 0905 - No published segregation evidence has been identified for this variant. (I) 1007 - No published functional evidence has been identified for this variant. (I) Legend: (SP) - Supporting pathogenic, (I) - Information, (SB) - Supporting benign

Literature cited by the submitters: PubMed 19131338 (cited by Victorian Clinical Genetics Services, Murdoch Childrens Research Institute); PubMed 33216650 (cited by Victorian Clinical Genetics Services, Murdoch Childrens Research Institute).

NM_022095.4(ZNF335):c.3868C>T (p.Gln1290Ter)

Gene: ZNF335 (zinc finger protein 335; minus strand). Cytogenetic location: 20q13.12.
Variant type: single nucleotide variant.
Coding change: c.3868C>T on transcript NM_022095.4 (MANE Select); coding-DNA position 3868, C replaced by T.
Protein change: p.Gln1290Ter; replaces glutamine 1290 with a stop codon.
Molecular consequence: nonsense.
Genome position (GRCh38, 1-based): chr20:45,949,203, G>A on the plus strand (C>T on the coding strand, the complement: ZNF335 is on the minus strand). VCF-style: chr20-45949203-G-A. GRCh37 (hg19) VCF-style: chr20-44577842-G-A.
Other names: short protein forms Q1290*.
Identifiers: ClinVar variation 1644616 (VCV001644616.10), dbSNP rs770300456, ClinGen allele CA9884802.